The following is an entry in ClinVar:

ClinVar aggregate classification (germline): Uncertain significance. Review status: criteria provided, multiple submitters, no conflicts (2 of 4 stars). 3 submissions from 3 submitters: Uncertain significance (3). Last evaluated 2023-06-02.

Conditions:
Inborn genetic diseases. Identifiers: MedGen C0950123, MeSH D030342.

Allele frequency attached by ClinVar (database versions not stated): gnomAD exomes below 0.00001; TOPMed below 0.00001; ExAC 0.00001.
gnomAD v4.1: 18 of 1,606,306 alleles (0.0011%); highest among the groups gnomAD compares: Middle Eastern, 0.05%; no homozygotes.

Submissions (3):

Blueprint Genetics
Classification: Uncertain significance. Last evaluated: 2023-06-02. Review status: criteria provided, single submitter. Criteria: ACMG Guidelines, 2015. Collection method: clinical testing. Allele origin: germline.

Labcorp Genetics (formerly Invitae), Labcorp
Classification: Uncertain significance. Last evaluated: 2022-03-10. Review status: criteria provided, single submitter. Criteria: Invitae Variant Classification Sherloc (09022015). Collection method: clinical testing. Allele origin: germline.
Comment: This sequence change replaces arginine, which is basic and polar, with proline, which is neutral and non-polar, at codon 39 of the CEP78 protein (p.Arg39Pro). This variant is present in population databases (rs779694885, gnomAD 0.001%). This variant has not been reported in the literature in individuals affected with CEP78-related conditions. ClinVar contains an entry for this variant (Variation ID: 1022448). Algorithms developed to predict the effect of missense changes on protein structure and function are either unavailable or do not agree on the potential impact of this missense change (SIFT: "Tolerated"; PolyPhen-2: "Probably Damaging"; Align-GVGD: "Class C0"). In summary, the available evidence is currently insufficient to determine the role of this variant in disease. Therefore, it has been classified as a Variant of Uncertain Significance.

Ambry Genetics
Classification: Uncertain significance for Inborn genetic diseases. Last evaluated: 2022-01-26. Review status: criteria provided, single submitter. Criteria: Ambry Variant Classification Scheme 2023. Collection method: clinical testing. Allele origin: germline.

NM_001330691.3(CEP78):c.116G>C (p.Arg39Pro)

Gene: CEP78 (centrosomal protein 78; plus strand). Cytogenetic location: 9q21.2.
Variant type: single nucleotide variant.
Coding change: c.116G>C on transcript NM_001330691.3 (MANE Select); coding-DNA position 116, G replaced by C.
Protein change: p.Arg39Pro; replaces arginine 39 with proline.
Molecular consequence: missense variant.
Genome position (GRCh38, 1-based): chr9:78,236,466, G>C. VCF-style: chr9-78236466-G-C. GRCh37 (hg19) VCF-style: chr9-80851382-G-C.
Other names: c.116G>C, p.Arg39Pro (NM_001098802.3, NM_001330693.3, NM_001330694.2 and 4 more transcripts); c.116G>C (NM_001098802.1); short protein forms R39P.
Identifiers: ClinVar variation 1022448 (VCV001022448.10), dbSNP rs779694885, ClinGen allele CA5094812.